The following is an entry in ClinVar:

ClinVar aggregate classification (germline): Uncertain significance (1 of 4 stars; one submission).

Allele frequency attached by ClinVar (database versions not stated): gnomAD exomes below 0.00001.
gnomAD v4.1: 1 of 1,403,680 alleles (0.000071%); highest among the groups gnomAD compares: Non-Finnish European, 0.000092%; no homozygotes.

Submission:

Labcorp Genetics (formerly Invitae), Labcorp
Classification: Uncertain significance. Last evaluated: 2025-06-01. Review status: criteria provided, single submitter. Criteria: Invitae Variant Classification Sherloc (09022015). Collection method: clinical testing. Allele origin: germline.
Comment: This sequence change creates a premature translational stop signal (p.Gln183*) in the NEFH gene. It is expected to result in an absent or disrupted protein product. However, the current clinical and genetic evidence is not sufficient to establish whether loss-of-function variants in NEFH cause disease. This variant is not present in population databases (gnomAD no frequency). This variant has not been reported in the literature in individuals affected with NEFH-related conditions. ClinVar contains an entry for this variant (Variation ID: 1928189). In summary, the available evidence is currently insufficient to determine the role of this variant in disease. Therefore, it has been classified as a Variant of Uncertain Significance.

NM_021076.4(NEFH):c.547C>T (p.Gln183Ter)

Gene: NEFH (neurofilament heavy chain; plus strand). Cytogenetic location: 22q12.2.
Variant type: single nucleotide variant.
Coding change: c.547C>T on transcript NM_021076.4 (MANE Select); coding-DNA position 547, C replaced by T.
Protein change: p.Gln183Ter; replaces glutamine 183 with a stop codon.
Molecular consequence: nonsense.
Genome position (GRCh38, 1-based): chr22:29,480,809, C>T. VCF-style: chr22-29480809-C-T. GRCh37 (hg19) VCF-style: chr22-29876798-C-T.
Other names: short protein forms Q183*.
Identifiers: ClinVar variation 1928189 (VCV001928189.5), dbSNP rs1356370073, ClinGen allele CA411123101.
Genomic context (GRCh38, chr22:29,480,809, plus strand): 5'-GCGCGCGGTCAGCTACGCCTGGAGCAGGAGCACCTGCTCGAGGACATCGCGCACGTGCGC[C>T]AGCGCCTAGACGACGAGGCCCGGCAGCGAGAGGAGGCCGAGGCGGCGGCCCGCGCGCTGG-3'